The following is an entry in ClinVar:

NM_017780.4(CHD7):c.6776-2A>C

Gene: CHD7 (chromodomain helicase DNA binding protein 7; plus strand). Cytogenetic location: 8q12.2.
Variant type: single nucleotide variant.
Coding change: c.6776-2A>C on transcript NM_017780.4 (MANE Select); the canonical splice acceptor site of the intron before coding-DNA position 6776, A replaced by C.
Molecular consequence: splice acceptor variant. On other transcripts: intron variant (1).
Genome position (GRCh38, 1-based): chr8:60,854,361, A>C. VCF-style: chr8-60854361-A-C. GRCh37 (hg19) VCF-style: chr8-61766920-A-C.
Other names: c.1717-7868A>C (NM_001316690.1).
Identifiers: ClinVar variation 4687855 (VCV004687855.1).

ClinVar aggregate classification (germline): Likely benign (1 of 4 stars; one submission).

Conditions:
Hypogonadotropic hypogonadism 5 with or without anosmia (KAL5). Also called: HYPOGONADOTROPIC HYPOGONADISM 5 WITH ANOSMIA; HYPOGONADOTROPHIC HYPOGONADISM 5 WITHOUT ANOSMIA; CHD7-Related GnRH Deficiency (Kallmann Syndrome 5). Identifiers: Orphanet 478, MedGen C3552553, MONDO:0012880, OMIM 612370. Disease mechanism: loss of function.

gnomAD v4.1: 2 of 1,613,146 alleles (0.00012%); highest among the groups gnomAD compares: South Asian, 0.0011%; no homozygotes.

Submission:

Centre for Medical Genetics,  Mumbai
Classification: Likely benign for Hypogonadotropic hypogonadism 5 with or without anosmia. Last evaluated: 2026-01-28. Review status: criteria provided, single submitter. Criteria: ACMG Guidelines, 2015. Collection method: provider interpretation. Allele origin: germline. Inheritance: Autosomal dominant inheritance. Affected: no. Observed: 1 heterozygote.
Comment: The variant satisfies PVS1 criteria; null variant in a gene where loss of function is a known mechanism of disease. The variant satisfies PM2 criteria; extremely low frequency in gnomAD population databases. Hence, the variant is considered likely benign.

Literature cited by the submitters: PubMed 18834967.